The following is an entry in ClinVar:

ClinVar aggregate classification (germline): Uncertain significance. Review status: criteria provided, multiple submitters, no conflicts (2 of 4 stars). 2 submissions from 2 submitters: Uncertain significance (2). Last evaluated 2025-08-20.

Allele frequency attached by ClinVar (database versions not stated): gnomAD exomes below 0.00001; TOPMed 0.00005; gnomAD 0.00006 and 0.00007; ESP Exome Variant Server 0.00015.
gnomAD v4.1: 15 of 1,614,026 alleles (0.00093%); highest among the groups gnomAD compares: African/African-American, 0.017%; no homozygotes.

Submissions (2):

Labcorp Genetics (formerly Invitae), Labcorp
Classification: Uncertain significance. Last evaluated: 2025-08-20. Review status: criteria provided, single submitter. Criteria: Invitae Variant Classification Sherloc (09022015). Collection method: clinical testing. Allele origin: germline.
Comment: This sequence change replaces valine, which is neutral and non-polar, with leucine, which is neutral and non-polar, at codon 233 of the CA4 protein (p.Val233Leu). This variant is present in population databases (rs147852446, gnomAD 0.02%). This variant has not been reported in the literature in individuals affected with CA4-related conditions. ClinVar contains an entry for this variant (Variation ID: 1364149). Invitae Evidence Modeling of protein sequence and biophysical properties (such as structural, functional, and spatial information, amino acid conservation, physicochemical variation, residue mobility, and thermodynamic stability) has been performed for this missense variant. However, the output from this modeling did not meet the statistical confidence thresholds required to predict the impact of this variant on CA4 protein function. In summary, the available evidence is currently insufficient to determine the role of this variant in disease. Therefore, it has been classified as a Variant of Uncertain Significance.

Ambry Genetics
Classification: Uncertain significance. Last evaluated: 2022-01-05. Review status: criteria provided, single submitter. Criteria: Ambry Variant Classification Scheme 2023. Collection method: clinical testing. Allele origin: germline.

NM_000717.5(CA4):c.697G>C (p.Val233Leu)

Gene: CA4 (carbonic anhydrase 4; plus strand). Cytogenetic location: 17q23.1.
Variant type: single nucleotide variant.
Coding change: c.697G>C on transcript NM_000717.5 (MANE Select); coding-DNA position 697, G replaced by C.
Protein change: p.Val233Leu; replaces valine 233 with leucine.
Molecular consequence: missense variant. On other transcripts: non-coding transcript variant (1).
Genome position (GRCh38, 1-based): chr17:60,158,399, G>C. VCF-style: chr17-60158399-G-C. GRCh37 (hg19) VCF-style: chr17-58235760-G-C.
Other names: c.697G>C (NM_000717.3); short protein forms V233L.
Identifiers: ClinVar variation 1364149 (VCV001364149.7), dbSNP rs147852446, ClinGen allele CA292206801.